The following is an entry in ClinVar:

NM_001371623.1(TCOF1):c.3593C>T (p.Ala1198Val)

Gene: TCOF1 (treacle ribosome biogenesis factor 1; plus strand). Cytogenetic location: 5q32.
Variant type: single nucleotide variant.
Coding change: c.3593C>T on transcript NM_001371623.1 (MANE Select); coding-DNA position 3593, C replaced by T.
Protein change: p.Ala1198Val; replaces alanine 1198 with valine.
Molecular consequence: missense variant.
Genome position (GRCh38, 1-based): chr5:150,392,780, C>T. VCF-style: chr5-150392780-C-T. GRCh37 (hg19) VCF-style: chr5-149772343-C-T.
Other names: c.3590C>T (NM_001135243.1); c.3359C>T, p.Ala1120Val (NM_000356.4); c.3590C>T, p.Ala1197Val (NM_001135243.2); c.3479C>T, p.Ala1160Val (NM_001135244.2); c.3362C>T, p.Ala1121Val (NM_001135245.2); c.3476C>T, p.Ala1159Val (NM_001195141.2); short protein forms A1120V, A1121V, A1159V, A1160V, A1197V, A1198V.
Identifiers: ClinVar variation 1000809 (VCV001000809.7), dbSNP rs754773014, ClinGen allele CA3511548.
Genomic context (GRCh38, chr5:150,392,780, plus strand): 5'-CCAGGACAGAGACCCTGGTGGAGGAGACCGCAGCAGAGTCCAGCGAGGATGATGTGGTGG[C>T]GCCATCCCAGGTAACTGCAAGGGAGAGGACTGGCAGCCCATAGGCCTTAGGGTGGAGCCC-3'
Protein context (NP_001358552.1, residues 1188-1208): AAESSEDDVV[Ala1198Val]PSQSLLSGYM

ClinVar aggregate classification (germline): Uncertain significance. Review status: criteria provided, multiple submitters, no conflicts (2 of 4 stars). 2 submissions from 2 submitters: Uncertain significance (2). Last evaluated 2024-07-30.

Conditions:
Inborn genetic diseases. Identifiers: MedGen C0950123, MeSH D030342.
Treacher Collins syndrome 1 (TCS1). Also called: TCOF1-Related Treacher Collins Syndrome. Identifiers: Orphanet 861, MedGen CN315775, MONDO:0007944, OMIM 154500.

Allele frequency attached by ClinVar (database versions not stated): gnomAD 0.00001; gnomAD exomes 0.00001; TOPMed 0.00001; ExAC 0.00002.
gnomAD v4.1: 14 of 1,613,796 alleles (0.00087%); highest among the groups gnomAD compares: East Asian, 0.0045%; no homozygotes.

Submissions (2):

Ambry Genetics
Classification: Uncertain significance for Inborn genetic diseases. Last evaluated: 2024-07-30. Review status: criteria provided, single submitter. Criteria: Ambry Variant Classification Scheme 2023. Collection method: clinical testing. Allele origin: germline.

Labcorp Genetics (formerly Invitae), Labcorp
Classification: Uncertain significance for Treacher Collins syndrome 1. Last evaluated: 2021-09-01. Review status: criteria provided, single submitter. Criteria: Invitae Variant Classification Sherloc (09022015). Collection method: clinical testing. Allele origin: germline.
Comment: This sequence change replaces alanine with valine at codon 1197 of the TCOF1 protein (p.Ala1197Val). The alanine residue is moderately conserved and there is a small physicochemical difference between alanine and valine. This variant is present in population databases (rs754773014, ExAC 0.01%). This variant has not been reported in the literature in individuals affected with TCOF1-related conditions. Algorithms developed to predict the effect of missense changes on protein structure and function are either unavailable or do not agree on the potential impact of this missense change (SIFT: "Tolerated"; PolyPhen-2: "Probably Damaging"; Align-GVGD: "Class C0"). In summary, the available evidence is currently insufficient to determine the role of this variant in disease. Therefore, it has been classified as a Variant of Uncertain Significance.